The following is an entry in ClinVar:

NM_004608.4(TBX6):c.958C>A (p.Arg320Ser)

Gene: TBX6 (T-box transcription factor 6; minus strand). Cytogenetic location: 16p11.2.
Variant type: single nucleotide variant.
Coding change: c.958C>A on transcript NM_004608.4 (MANE Select); coding-DNA position 958, C replaced by A.
Protein change: p.Arg320Ser; replaces arginine 320 with serine.
Molecular consequence: missense variant.
Genome position (GRCh38, 1-based): chr16:30,086,651, G>T on the plus strand (C>A on the coding strand, the complement: TBX6 is on the minus strand). VCF-style: chr16-30086651-G-T. GRCh37 (hg19) VCF-style: chr16-30097972-G-T.
Other names: short protein forms R320S.
Identifiers: ClinVar variation 2992124 (VCV002992124.3), dbSNP rs772913246, ClinGen allele CA395513948.

ClinVar aggregate classification (germline): Uncertain significance (1 of 4 stars; one submission).

gnomAD v4.1: 4 of 1,608,936 alleles (0.00025%); highest among the groups gnomAD compares: Non-Finnish European, 0.00034%; no homozygotes.

Submission:

Labcorp Genetics (formerly Invitae), Labcorp
Classification: Uncertain significance. Last evaluated: 2025-06-04. Review status: criteria provided, single submitter. Criteria: Invitae Variant Classification Sherloc (09022015). Collection method: clinical testing. Allele origin: germline.
Comment: This sequence change replaces arginine, which is basic and polar, with serine, which is neutral and polar, at codon 320 of the TBX6 protein (p.Arg320Ser). This variant is not present in population databases (gnomAD no frequency). This variant has not been reported in the literature in individuals affected with TBX6-related conditions. ClinVar contains an entry for this variant (Variation ID: 2992124). Invitae Evidence Modeling of protein sequence and biophysical properties (such as structural, functional, and spatial information, amino acid conservation, physicochemical variation, residue mobility, and thermodynamic stability) indicates that this missense variant is not expected to disrupt TBX6 protein function with a negative predictive value of 80%. In summary, the available evidence is currently insufficient to determine the role of this variant in disease. Therefore, it has been classified as a Variant of Uncertain Significance.